The following is an entry in ClinVar:

ClinVar aggregate classification (germline): Uncertain significance. Review status: criteria provided, multiple submitters, no conflicts (2 of 4 stars). 2 submissions from 2 submitters: Uncertain significance (2). Last evaluated 2025-10-05.

Conditions:
Hereditary cancer-predisposing syndrome. Also called: Neoplastic Syndromes, Hereditary; Tumor predisposition; Hereditary neoplastic syndrome; Hereditary Cancer Syndrome. Identifiers: Orphanet 140162, MedGen C0027672, MeSH D009386, MONDO:0015356.

Submissions (2):

Ambry Genetics
Classification: Uncertain significance for Hereditary cancer-predisposing syndrome. Last evaluated: 2025-10-05. Review status: criteria provided, single submitter. Criteria: Ambry Variant Classification Scheme 2023. Collection method: clinical testing. Allele origin: germline.
Comment: The p.E452D variant (also known as c.1356A>C), located in coding exon 10 of the BMPR1A gene, results from an A to C substitution at nucleotide position 1356. The glutamic acid at codon 452 is replaced by aspartic acid, an amino acid with highly similar properties. This amino acid position is conserved. In addition, this alteration is predicted to be tolerated by in silico analysis. Based on the available evidence, the clinical significance of this variant remains unclear.

GeneDx
Classification: Uncertain significance. Last evaluated: 2025-01-05. Review status: criteria provided, single submitter. Criteria: GeneDx Variant Classification Process June 2021. Collection method: clinical testing. Allele origin: germline. Affected: yes.
Comment: Not observed at significant frequency in large population cohorts (gnomAD); In silico analysis indicates that this missense variant does not alter protein structure/function; Has not been previously published as pathogenic or benign to our knowledge

NM_004329.3(BMPR1A):c.1356A>C (p.Glu452Asp)

Gene: BMPR1A (bone morphogenetic protein receptor type 1A; plus strand). Cytogenetic location: 10q23.2.
Variant type: single nucleotide variant.
Coding change: c.1356A>C on transcript NM_004329.3 (MANE Select); coding-DNA position 1356, A replaced by C.
Protein change: p.Glu452Asp; replaces glutamic acid 452 with aspartic acid.
Molecular consequence: missense variant. On other transcripts: non-coding transcript variant (3).
Genome position (GRCh38, 1-based): chr10:86,923,389, A>C. VCF-style: chr10-86923389-A-C. GRCh37 (hg19) VCF-style: chr10-88683146-A-C.
Other names: c.1356A>C, p.Glu452Asp (NM_001406569.1, NM_001406570.1, NM_001406571.1 and 19 more transcripts); c.1272A>C, p.Glu424Asp (NM_001406588.1, NM_001406584.1, NM_001406585.1 and 2 more transcripts); c.1014A>C, p.Glu338Asp (NM_001406589.1); c.1350A>C, p.Glu450Asp (NM_001406583.1); c.1431A>C, p.Glu477Asp (NM_001406559.1); c.1404A>C, p.Glu468Asp (NM_001406560.1); short protein forms E338D, E424D, E450D, E452D, E468D, E477D.
Identifiers: ClinVar variation 4055979 (VCV004055979.2).